The following is an entry in ClinVar:

NM_032638.5(GATA2):c.878G>A (p.Arg293Gln)

Gene: GATA2 (GATA binding protein 2; minus strand). Cytogenetic location: 3q21.3.
Variant type: single nucleotide variant.
Coding change: c.878G>A on transcript NM_032638.5 (MANE Select); coding-DNA position 878, G replaced by A.
Protein change: p.Arg293Gln; replaces arginine 293 with glutamine.
Molecular consequence: missense variant.
Genome position (GRCh38, 1-based): chr3:128,483,999, C>T on the plus strand (G>A on the coding strand, the complement: GATA2 is on the minus strand). VCF-style: chr3-128483999-C-T. GRCh37 (hg19) VCF-style: chr3-128202842-C-T.
Other names: c.878G>A, p.Arg293Gln (NM_001145661.2, NM_001145662.1); c.878G>A (NM_032638.4); short protein forms R293Q.
Identifiers: ClinVar variation 1495463 (VCV001495463.10), dbSNP rs2068663016, ClinGen allele CA354404978.

ClinVar aggregate classification (germline): Uncertain significance. Review status: criteria provided, multiple submitters, no conflicts (2 of 4 stars). 3 submissions from 3 submitters: Uncertain significance (3). Last evaluated 2025-08-20.

Conditions:
Acute myeloid leukemia (AML). Also called: Leukemia, acute myeloid, somatic; Leukemia, acute myelogenous, somatic; Acute myeloid leukemia, adult; AML adult; Acute non-lymphocytic leukemia; Acute granulocytic leukemia. Identifiers: Orphanet 519, MedGen C0023467, MeSH D015470, MONDO:0018874, OMIM 601626, HP:0004808. Disease mechanism: Constitutively activated FLT3.
Inborn genetic diseases. Identifiers: MedGen C0950123, MeSH D030342.
Deafness-lymphedema-leukemia syndrome. Also called: Lymphedema, primary, with myelodysplasia; Emberger syndrome. Identifiers: Orphanet 3226, MedGen C3279664, MONDO:0013540, OMIM 614038.
Monocytopenia with susceptibility to infections. Also called: MONOCYTOPENIA AND MYCOBACTERIAL INFECTION SYNDROME; MONOCYTOPENIA WITH SUSCEPTIBILITY TO MYCOBACTERIAL, FUNGAL, AND PAPILLOMAVIRUS INFECTIONS AND MYELODYSPLASIA; COMBINED IMMUNODEFICIENCY WITH SUSCEPTIBILITY TO MYCOBACTERIAL, VIRAL, AND FUNGAL INFECTIONS; Dendritic cell, monocyte, B lymphocyte, and natural killer lymphocyte deficiency; IMMUNODEFICIENCY 21; GATA2 DEFICIENCY. Identifiers: Orphanet 228423, MedGen C3280030, MONDO:0013607, OMIM 614172.

Submissions (3):

Ambry Genetics
Classification: Uncertain significance for Inborn genetic diseases. Last evaluated: 2025-08-20. Review status: criteria provided, single submitter. Criteria: Ambry Variant Classification Scheme 2023. Collection method: clinical testing. Allele origin: germline.
Comment: The p.R293Q variant (also known as c.878G>A), located in coding exon 3 of the GATA2 gene, results from a G to A substitution at nucleotide position 878. The arginine at codon 293 is replaced by glutamine, an amino acid with highly similar properties. This amino acid position is highly conserved in available vertebrate species. In addition, this alteration is predicted to be deleterious by in silico analysis. Based on the available evidence, the clinical significance of this variant remains unclear.

Baylor Genetics
Classification: Uncertain significance for Acute myeloid leukemia. Last evaluated: 2023-11-27. Review status: criteria provided, single submitter. Criteria: ACMG Guidelines, 2015. Collection method: clinical testing. Allele origin: unknown.

Labcorp Genetics (formerly Invitae), Labcorp
Classification: Uncertain significance for Monocytopenia with susceptibility to infections; Deafness-lymphedema-leukemia syndrome. Last evaluated: 2023-01-30. Review status: criteria provided, single submitter. Criteria: Invitae Variant Classification Sherloc (09022015). Collection method: clinical testing. Allele origin: germline.
Comment: In summary, the available evidence is currently insufficient to determine the role of this variant in disease. Therefore, it has been classified as a Variant of Uncertain Significance. This sequence change replaces arginine, which is basic and polar, with glutamine, which is neutral and polar, at codon 293 of the GATA2 protein (p.Arg293Gln). This variant is not present in population databases (gnomAD no frequency). This variant has not been reported in the literature in individuals affected with GATA2-related conditions. ClinVar contains an entry for this variant (Variation ID: 1495463). Advanced modeling of protein sequence and biophysical properties (such as structural, functional, and spatial information, amino acid conservation, physicochemical variation, residue mobility, and thermodynamic stability) has been performed at Invitae for this missense variant, however the output from this modeling did not meet the statistical confidence thresholds required to predict the impact of this variant on GATA2 protein function.